The following is an entry in ClinVar:

NM_006420.3(ARFGEF2):c.*1603A>G

Gene: ARFGEF2 (ARF guanine nucleotide exchange factor 2; plus strand). Cytogenetic location: 20q13.13.
Variant type: single nucleotide variant.
Coding change: c.*1603A>G on transcript NM_006420.3 (MANE Select); 1603 bases downstream of the stop codon, A replaced by G.
Molecular consequence: 3 prime UTR variant.
Genome position (GRCh38, 1-based): chr20:49,034,802, A>G. VCF-style: chr20-49034802-A-G. GRCh37 (hg19) VCF-style: chr20-47651339-A-G.
Identifiers: ClinVar variation 338724 (VCV000338724.5), dbSNP rs138230360, ClinGen allele CA10649853.

ClinVar aggregate classification (germline): Likely benign (1 of 4 stars; one submission).

Conditions:
Periventricular heterotopia with microcephaly, autosomal recessive (ARPHM). Also called: PERIVENTRICULAR NODULAR HETEROTOPIA 2; Periventricular heterotopia with microcephaly. Identifiers: Orphanet 2149, MedGen C1842563, MONDO:0011966, OMIM 608097.

Allele frequency attached by ClinVar (database versions not stated): gnomAD 0.00838 and 0.00883; TOPMed 0.00889; 1000 Genomes Project 0.01178; 1000 Genomes Project 30x 0.01249.

Submission:

Illumina Laboratory Services, Illumina
Classification: Likely benign for Periventricular heterotopia with microcephaly, autosomal recessive. Last evaluated: 2018-01-13. Review status: criteria provided, single submitter. Criteria: ICSL Variant Classification Criteria 13 December 2019. Collection method: clinical testing. Allele origin: germline.
Comment: This variant was observed in the ICSL laboratory as part of a predisposition screen in an ostensibly healthy population. It had not been previously curated by ICSL or reported in the Human Gene Mutation Database (HGMD: prior to June 1st, 2018), and was therefore a candidate for classification through an automated scoring system. Utilizing variant allele frequency, disease prevalence and penetrance estimates, and inheritance mode, an automated score was calculated to assess if this variant is too frequent to cause the disease. Based on the score and internal cut-off values, a variant classified as likely benign is not then subjected to further curation. The score for this variant resulted in a classification of likely benign for this disease.